The following is an entry in ClinVar:

NM_001353108.3(CEP63):c.2084C>T (p.Thr695Ile)

Gene: CEP63 (centrosomal protein 63; plus strand). Cytogenetic location: 3q22.2.
Variant type: single nucleotide variant.
Coding change: c.2084C>T on transcript NM_001353108.3 (MANE Select); coding-DNA position 2084, C replaced by T.
Protein change: p.Thr695Ile; replaces threonine 695 with isoleucine.
Molecular consequence: missense variant. On other transcripts: non-coding transcript variant (4), intron variant (5).
Genome position (GRCh38, 1-based): chr3:134,561,507, C>T. VCF-style: chr3-134561507-C-T. GRCh37 (hg19) VCF-style: chr3-134280349-C-T.
Other names: c.1460C>T, p.Thr487Ile (NM_001042383.2, NM_001353119.2, NM_001353120.2 and 2 more transcripts); c.1598C>T, p.Thr533Ile (NM_001042400.3, NM_001353110.1, NM_001353111.2 and 1 more transcripts); c.1946C>T, p.Thr649Ile (NM_001353109.1); c.1487C>T, p.Thr496Ile (NM_001353118.1); c.1376C>T, p.Thr459Ile (NM_001353125.2); c.1097C>T, p.Thr366Ile (NM_001353126.2); c.2084C>T, p.Thr695Ile (NM_025180.5); c.1467+9495C>T (NM_001353113.1, NM_001353117.2); and 1 more; short protein forms T533I, T649I, T695I, T487I, T496I, T366I, T459I.
Identifiers: ClinVar variation 2096572 (VCV002096572.4), dbSNP rs2547210444, ClinGen allele CA354634896.
Genomic context (GRCh38, chr3:134,561,507, plus strand): 5'-ATCACATTCTAGAGCGCTTGGATGCCCATATTGAAGAACTAAAAAGAGAGAGTGAAAAGA[C>T]AGTGAGACAATTCACAGCCTTAAAGTAGCCTCTTAAAAAAATCACTATCTTGGAAATAAA-3'
Protein context (NP_001340037.1, residues 685-703): IEELKRESEK[Thr695Ile]VRQFTALK

ClinVar aggregate classification (germline): Uncertain significance (1 of 4 stars; one submission).

Allele frequency attached by ClinVar (database versions not stated): gnomAD exomes below 0.00001.
gnomAD v4.1: 3 of 1,613,794 alleles (0.00019%); highest among the groups gnomAD compares: Middle Eastern, 0.017%; no homozygotes.

Submission:

Labcorp Genetics (formerly Invitae), Labcorp
Classification: Uncertain significance. Last evaluated: 2024-04-04. Review status: criteria provided, single submitter. Criteria: Invitae Variant Classification Sherloc (09022015). Collection method: clinical testing. Allele origin: germline.
Comment: This sequence change replaces threonine, which is neutral and polar, with isoleucine, which is neutral and non-polar, at codon 695 of the CEP63 protein (p.Thr695Ile). This variant is not present in population databases (gnomAD no frequency). This variant has not been reported in the literature in individuals affected with CEP63-related conditions. ClinVar contains an entry for this variant (Variation ID: 2096572). Advanced modeling of protein sequence and biophysical properties (such as structural, functional, and spatial information, amino acid conservation, physicochemical variation, residue mobility, and thermodynamic stability) performed at Invitae indicates that this missense variant is not expected to disrupt CEP63 protein function with a negative predictive value of 80%. In summary, the available evidence is currently insufficient to determine the role of this variant in disease. Therefore, it has been classified as a Variant of Uncertain Significance.